The following is an entry in ClinVar:

ClinVar aggregate classification (germline): Uncertain significance (1 of 4 stars; one submission).

Conditions:
Glycogen storage disease IXd (GSD9D). Also called: GSD IXd; Muscle Phosphorylase Kinase Deficiency. Identifiers: Orphanet 715, MedGen C1845151, MONDO:0010362, OMIM 300559.

Allele frequency attached by ClinVar (database versions not stated): TOPMed 0.00023; gnomAD 0.00032 and 0.00035.
gnomAD v4.1: 47 of 1,203,452 alleles (0.0039%); highest among the groups gnomAD compares: Admixed American, 0.1%; no homozygotes.

Submission:

Labcorp Genetics (formerly Invitae), Labcorp
Classification: Uncertain significance for Glycogen storage disease IXd. Last evaluated: 2022-10-05. Review status: criteria provided, single submitter. Criteria: Invitae Variant Classification Sherloc (09022015). Collection method: clinical testing. Allele origin: germline.
Comment: This variant has not been reported in the literature in individuals affected with PHKA1-related conditions. This variant is present in population databases (no rsID available, gnomAD 0.05%), and has an allele count higher than expected for a pathogenic variant. This sequence change replaces arginine, which is basic and polar, with leucine, which is neutral and non-polar, at codon 919 of the PHKA1 protein (p.Arg919Leu). Advanced modeling of protein sequence and biophysical properties (such as structural, functional, and spatial information, amino acid conservation, physicochemical variation, residue mobility, and thermodynamic stability) performed at Invitae indicates that this missense variant is expected to disrupt PHKA1 protein function. ClinVar contains an entry for this variant (Variation ID: 1434794). In summary, the available evidence is currently insufficient to determine the role of this variant in disease. Therefore, it has been classified as a Variant of Uncertain Significance. Algorithms developed to predict the effect of sequence changes on RNA splicing suggest that this variant may disrupt the consensus splice site.

NM_002637.4(PHKA1):c.2756G>T (p.Arg919Leu)

Gene: PHKA1 (phosphorylase kinase regulatory subunit alpha 1; minus strand). Cytogenetic location: Xq13.1.
Variant type: single nucleotide variant.
Coding change: c.2756G>T on transcript NM_002637.4 (MANE Select); coding-DNA position 2756, G replaced by T.
Protein change: p.Arg919Leu; replaces arginine 919 with leucine.
Molecular consequence: missense variant.
Genome position (GRCh38, 1-based): chrX:72,605,330, C>A on the plus strand (G>T on the coding strand, the complement: PHKA1 is on the minus strand). VCF-style: chrX-72605330-C-A. GRCh37 (hg19) VCF-style: chrX-71825180-C-A.
Other names: c.2756G>T, p.Arg919Leu (NM_001122670.2); c.2579G>T, p.Arg860Leu (NM_001172436.2); short protein forms R919L, R860L.
Identifiers: ClinVar variation 1434794 (VCV001434794.8), dbSNP rs1349683999, ClinGen allele CA413588892.